The following is an entry in ClinVar:

NM_001386140.1(MTTP):c.1067+1G>A

Gene: MTTP (microsomal triglyceride transfer protein; plus strand). Cytogenetic location: 4q23.
Variant type: single nucleotide variant.
Coding change: c.1067+1G>A on transcript NM_001386140.1 (MANE Select); the canonical splice donor site of the intron after coding-DNA position 1067, G replaced by A.
Molecular consequence: splice donor variant.
Genome position (GRCh38, 1-based): chr4:99,597,225, G>A. VCF-style: chr4-99597225-G-A. GRCh37 (hg19) VCF-style: chr4-100518382-G-A.
Other names: c.1067+1G>A (NM_000253.4); c.818+1G>A (NM_001300785.2).
Identifiers: ClinVar variation 3032498 (VCV003032498.2), dbSNP rs752343394, ClinGen allele CA357507217.

ClinVar aggregate classification (germline): Likely pathogenic (0 of 4 stars; one submission).

Conditions:
MTTP-related disorder. Also called: MTTP-related condition.

Allele frequency attached by ClinVar (database versions not stated): gnomAD exomes below 0.00001.
gnomAD v4.1: 3 of 1,612,880 alleles (0.00019%); highest among the groups gnomAD compares: Non-Finnish European, 0.00025%; no homozygotes.

Submission:

PreventionGenetics, part of Exact Sciences
Classification: Likely pathogenic for MTTP-related condition. Last evaluated: 2023-12-21. Review status: no assertion criteria provided. Collection method: clinical testing. Allele origin: germline.
Comment: The MTTP c.1067+1G>A variant is predicted to disrupt the GT donor site and interfere with normal splicing. To our knowledge, this variant has not been reported in the literature or in a large population database, indicating this variant is rare. Variants that disrupt the consensus splice donor site in MTTP are expected to be pathogenic. This variant is interpreted as likely pathogenic.